The following is an entry in ClinVar:

ClinVar aggregate classification (germline): Likely benign (1 of 4 stars; one submission).

Submission:

GeneDx
Classification: Likely benign. Last evaluated: 2017-03-24. Review status: criteria provided, single submitter. Criteria: GeneDx Variant Classification (06012015). Collection method: clinical testing. Allele origin: germline. Affected: yes.
Comment: This variant is considered likely benign or benign based on one or more of the following criteria: it is a conservative change, it occurs at a poorly conserved position in the protein, it is predicted to be benign by multiple in silico algorithms, and/or has population frequency not consistent with disease.

NM_000051.4(ATM):c.7516-18_7516-17delinsAAT

Genes: ATM (ATM serine/threonine kinase; plus strand), C11orf65 (chromosome 11 open reading frame 65; minus strand). Cytogenetic location: 11q22.3.
Variant type: Indel.
Coding change: c.7516-18_7516-17delinsAAT on transcript NM_000051.4 (MANE Select); 18 bases into the intron before coding-DNA position 7516 through 17 bases into the intron before coding-DNA position 7516, TC replaced by AAT.
Molecular consequence: intron variant. On other transcripts: non-coding transcript variant (1).
Genome position (GRCh38, 1-based): chr11:108,331,426-108,331,427, TC replaced by AAT. VCF-style: chr11-108331426-TC-AAT. GRCh37 (hg19) VCF-style: chr11-108202153-TC-AAT.
Other names: c.7516-18_7516-17delTCinsAAT (NM_000051.3); c.641-22356_641-22355delinsATT (NM_001330368.2); c.*38+3793_*38+3794delinsATT (NM_001351110.2); c.7516-18_7516-17delinsAAT (NM_001351834.2).
Identifiers: ClinVar variation 508503 (VCV000508503.3), dbSNP rs1555123881, ClinGen allele CA658797728.